The following is an entry in ClinVar:

ClinVar aggregate classification (germline): Uncertain significance (1 of 4 stars; one submission).

Allele frequency attached by ClinVar (database versions not stated): gnomAD exomes below 0.00001.
gnomAD v4.1: 1 of 1,613,970 alleles (0.000062%); highest among the groups gnomAD compares: Non-Finnish European, 0.000085%; no homozygotes.

Submission:

Labcorp Genetics (formerly Invitae), Labcorp
Classification: Uncertain significance. Last evaluated: 2023-08-07. Review status: criteria provided, single submitter. Criteria: Invitae Variant Classification Sherloc (09022015). Collection method: clinical testing. Allele origin: germline.
Comment: This sequence change replaces aspartic acid, which is acidic and polar, with valine, which is neutral and non-polar, at codon 128 of the SAMD9L protein (p.Asp128Val). In summary, the available evidence is currently insufficient to determine the role of this variant in disease. Therefore, it has been classified as a Variant of Uncertain Significance. Algorithms developed to predict the effect of missense changes on protein structure and function output the following: SIFT: "Not Available"; PolyPhen-2: "Benign"; Align-GVGD: "Not Available". The valine amino acid residue is found in multiple mammalian species, which suggests that this missense change does not adversely affect protein function. This variant has not been reported in the literature in individuals affected with SAMD9L-related conditions. This variant is not present in population databases (gnomAD no frequency).

NM_152703.5(SAMD9L):c.383A>T (p.Asp128Val)

Gene: SAMD9L (sterile alpha motif domain containing 9 like; minus strand). Cytogenetic location: 7q21.2.
Variant type: single nucleotide variant.
Coding change: c.383A>T on transcript NM_152703.5 (MANE Select); coding-DNA position 383, A replaced by T.
Protein change: p.Asp128Val; replaces aspartic acid 128 with valine.
Molecular consequence: missense variant.
Genome position (GRCh38, 1-based): chr7:93,135,589, T>A on the plus strand (A>T on the coding strand, the complement: SAMD9L is on the minus strand). VCF-style: chr7-93135589-T-A. GRCh37 (hg19) VCF-style: chr7-92764902-T-A.
Other names: c.383A>T, p.Asp128Val (NM_001303496.3, NM_001303497.3, NM_001303498.3 and 5 more transcripts); short protein forms D128V.
Identifiers: ClinVar variation 2882017 (VCV002882017.3), dbSNP rs1584284849, ClinGen allele CA368203571.